The following is an entry in ClinVar:

ClinVar aggregate classification (germline): Uncertain significance (1 of 4 stars; one submission).

Conditions:
Phenylketonuria (PKU). Also called: Phenylketonuria (PKU); OLIGOPHRENIA PHENYLPYRUVICA; FOLLING DISEASE; Phenylketonurias. Identifiers: Orphanet 716, MedGen C0031485, MONDO:0009861, OMIM 261600. Disease mechanism: loss of function.

gnomAD v4.1: 1 of 1,614,148 alleles (0.000062%); highest among the groups gnomAD compares: Non-Finnish European, 0.000085%; no homozygotes.

Submission:

Labcorp Genetics (formerly Invitae), Labcorp
Classification: Uncertain significance for Phenylketonuria. Last evaluated: 2022-08-06. Review status: criteria provided, single submitter. Criteria: Invitae Variant Classification Sherloc (09022015). Collection method: clinical testing. Allele origin: germline.
Comment: In summary, the available evidence is currently insufficient to determine the role of this variant in disease. Therefore, it has been classified as a Variant of Uncertain Significance. Advanced modeling of protein sequence and biophysical properties (such as structural, functional, and spatial information, amino acid conservation, physicochemical variation, residue mobility, and thermodynamic stability) performed at Invitae indicates that this missense variant is expected to disrupt PAH protein function. This variant has not been reported in the literature in individuals affected with PAH-related conditions. This variant is present in population databases (no rsID available, gnomAD 0.0009%). This sequence change replaces isoleucine, which is neutral and non-polar, with threonine, which is neutral and polar, at codon 209 of the PAH protein (p.Ile209Thr).

NM_000277.3(PAH):c.626T>C (p.Ile209Thr)

Gene: PAH (phenylalanine hydroxylase; minus strand). Cytogenetic location: 12q23.2.
Variant type: single nucleotide variant.
Coding change: c.626T>C on transcript NM_000277.3 (MANE Select); coding-DNA position 626, T replaced by C.
Protein change: p.Ile209Thr; replaces isoleucine 209 with threonine.
Molecular consequence: missense variant.
Genome position (GRCh38, 1-based): chr12:102,855,216, A>G on the plus strand (T>C on the coding strand, the complement: PAH is on the minus strand). VCF-style: chr12-102855216-A-G. GRCh37 (hg19) VCF-style: chr12-103248994-A-G.
Other names: c.626T>C, p.Ile209Thr (NM_001354304.2); short protein forms I209T.
Identifiers: ClinVar variation 2191302 (VCV002191302.4), dbSNP rs1409955402, ClinGen allele CA386296684.